The following is an entry in ClinVar:

NM_001353345.2(SETD1B):c.1353_1367dup (p.Pro457_Asp458insGlyProProProPro)

Gene: SETD1B (SET domain containing 1B, histone lysine methyltransferase; plus strand). Cytogenetic location: 12q24.31.
Variant type: Duplication.
Coding change: c.1353_1367dup on transcript NM_001353345.2 (MANE Select); coding-DNA positions 1353 to 1367, 15 bases duplicated (ACCCGGCCCGCCGCC).
Protein change: p.Pro457_Asp458insGlyProProProPro.
Genome position (GRCh38, 1-based): chr12:121,810,298-121,810,312, ACCCGGCCCGCCGCC duplicated; duplicating any 15 consecutive bases within chr12:121,810,294-121,810,312 gives the same sequence; the c. name uses the placement nearest the transcript's 3' end. VCF-style (leftmost placement, unchanged base first): chr12-121810293-A-ACGCCACCCGGCCCGC. GRCh37 (hg19) VCF-style: chr12-122248199-A-ACGCCACCCGGCCCGC.
Identifiers: ClinVar variation 4530838 (VCV004530838.1).

ClinVar aggregate classification (germline): Uncertain significance (1 of 4 stars; one submission).

Submission:

GeneDx
Classification: Uncertain significance. Last evaluated: 2025-05-21. Review status: criteria provided, single submitter. Criteria: GeneDx Variant Classification Process June 2021. Collection method: clinical testing. Allele origin: germline. Affected: yes.
Comment: Not observed at significant frequency in large population cohorts (gnomAD); In-frame duplication of 5 amino acids in a non-repeat region; Has not been previously published as pathogenic or benign to our knowledge